The following is an entry in ClinVar:

NM_004629.2(FANCG):c.1154C>A (p.Pro385His)

Gene: FANCG (FA complementation group G; minus strand). Cytogenetic location: 9p13.3.
Variant type: single nucleotide variant.
Coding change: c.1154C>A on transcript NM_004629.2 (MANE Select); coding-DNA position 1154, C replaced by A.
Protein change: p.Pro385His; replaces proline 385 with histidine.
Molecular consequence: missense variant.
Genome position (GRCh38, 1-based): chr9:35,075,744, G>T on the plus strand (C>A on the coding strand, the complement: FANCG is on the minus strand). VCF-style: chr9-35075744-G-T. GRCh37 (hg19) VCF-style: chr9-35075741-G-T.
Other names: short protein forms P385H.
Identifiers: ClinVar variation 3848430 (VCV003848430.1).

ClinVar aggregate classification (germline): Uncertain significance (1 of 4 stars; one submission).

Conditions:
Inborn genetic diseases. Identifiers: MedGen C0950123, MeSH D030342.

Submission:

Ambry Genetics
Classification: Uncertain significance for Inborn genetic diseases. Last evaluated: 2025-02-03. Review status: criteria provided, single submitter. Criteria: Ambry Variant Classification Scheme 2023. Collection method: clinical testing. Allele origin: germline.
Comment: The p.P385H variant (also known as c.1154C>A), located in coding exon 10 of the FANCG gene, results from a C to A substitution at nucleotide position 1154. The proline at codon 385 is replaced by histidine, an amino acid with similar properties. This amino acid position is conserved. In addition, this alteration is predicted to be tolerated by in silico analysis. Based on the available evidence, the clinical significance of this variant remains unclear.